The following is an entry in ClinVar:

NM_004544.4(NDUFA10):c.601C>G (p.Pro201Ala)

Gene: NDUFA10 (NADH:ubiquinone oxidoreductase subunit A10; minus strand). Cytogenetic location: 2q37.3.
Variant type: single nucleotide variant.
Coding change: c.601C>G on transcript NM_004544.4 (MANE Select); coding-DNA position 601, C replaced by G.
Protein change: p.Pro201Ala; replaces proline 201 with alanine.
Molecular consequence: missense variant. On other transcripts: non-coding transcript variant (4).
Genome position (GRCh38, 1-based): chr2:240,014,807, G>C on the plus strand (C>G on the coding strand, the complement: NDUFA10 is on the minus strand). VCF-style: chr2-240014807-G-C. GRCh37 (hg19) VCF-style: chr2-240954224-G-C.
Other names: c.601C>G, p.Pro201Ala (NM_001322019.2, NM_001322020.2, NM_001410987.1); short protein forms P201A.
Identifiers: ClinVar variation 2061077 (VCV002061077.4), dbSNP rs2469825714, ClinGen allele CA351272866.

ClinVar aggregate classification (germline): Uncertain significance (1 of 4 stars; one submission).

Submission:

Labcorp Genetics (formerly Invitae), Labcorp
Classification: Uncertain significance. Last evaluated: 2022-09-27. Review status: criteria provided, single submitter. Criteria: Invitae Variant Classification Sherloc (09022015). Collection method: clinical testing. Allele origin: germline.
Comment: This sequence change replaces proline, which is neutral and non-polar, with alanine, which is neutral and non-polar, at codon 201 of the NDUFA10 protein (p.Pro201Ala). This variant is not present in population databases (gnomAD no frequency). In summary, the available evidence is currently insufficient to determine the role of this variant in disease. Therefore, it has been classified as a Variant of Uncertain Significance. Advanced modeling of protein sequence and biophysical properties (such as structural, functional, and spatial information, amino acid conservation, physicochemical variation, residue mobility, and thermodynamic stability) performed at Invitae indicates that this missense variant is expected to disrupt NDUFA10 protein function. This variant has not been reported in the literature in individuals affected with NDUFA10-related conditions.